The following is an entry in ClinVar:

NM_001379110.1(SLC9A6):c.1661+1G>A

Gene: SLC9A6 (solute carrier family 9 member A6; plus strand). Cytogenetic location: Xq26.3.
Variant type: single nucleotide variant.
Coding change: c.1661+1G>A on transcript NM_001379110.1 (MANE Select); the canonical splice donor site of the intron after coding-DNA position 1661, G replaced by A.
Molecular consequence: splice donor variant.
Genome position (GRCh38, 1-based): chrX:136,033,494, G>A. VCF-style: chrX-136033494-G-A. GRCh37 (hg19) VCF-style: chrX-135115653-G-A.
Other names: c.1571+1G>A (NM_001400909.1, NM_001400910.1, NM_001400911.1 and 2 more transcripts); c.1727+1G>A (NM_001042537.2, NM_001042537.1); c.1631+1G>A (NM_006359.3); c.1475+1G>A (NM_001400913.1, NM_001330652.2).
Identifiers: ClinVar variation 207241 (VCV000207241.44), dbSNP rs796053283, ClinGen allele CA318522.

ClinVar aggregate classification (germline): Pathogenic/Likely pathogenic. Review status: criteria provided, multiple submitters, no conflicts (2 of 4 stars). 3 submissions from 3 submitters: Pathogenic (1); Likely pathogenic (2). Last evaluated 2022-05-27.

Submissions (3):

Clinical Genetics Laboratory, Skane University Hospital Lund
Classification: Pathogenic. Last evaluated: 2022-05-27. Review status: criteria provided, single submitter. Criteria: ACMG Guidelines, 2015. Collection method: clinical testing. Allele origin: germline. Affected: yes.

GeneDx
Classification: Likely pathogenic. Last evaluated: 2021-09-09. Review status: criteria provided, single submitter. Criteria: GeneDx Variant Classification Process June 2021. Collection method: clinical testing. Allele origin: germline. Affected: yes.
Comment: Canonical splice site variant predicted to result in a null allele in a gene for which loss-of-function is a known mechanism of disease; Not observed at significant frequency in large population cohorts (gnomAD); This variant is associated with the following publications: (PMID: 30500859, 32573973, 33726816)

CeGaT Center for Human Genetics Tuebingen
Classification: Likely pathogenic. Last evaluated: 2020-04-01. Review status: criteria provided, single submitter. Criteria: CeGaT Center For Human Genetics Tuebingen Variant Classification Criteria Version 2. Collection method: clinical testing. Allele origin: germline. Affected: yes. Observed: 1 variant allele.